The following is an entry in ClinVar:

ClinVar aggregate classification (germline): Uncertain significance (1 of 4 stars; one submission).

Submission:

Labcorp Genetics (formerly Invitae), Labcorp
Classification: Uncertain significance. Last evaluated: 2022-07-25. Review status: criteria provided, single submitter. Criteria: Invitae Variant Classification Sherloc (09022015). Collection method: clinical testing. Allele origin: germline.
Comment: This variant is not present in population databases (gnomAD no frequency). This sequence change replaces isoleucine, which is neutral and non-polar, with valine, which is neutral and non-polar, at codon 520 of the RP1 protein (p.Ile520Val). This variant has not been reported in the literature in individuals affected with RP1-related conditions. Algorithms developed to predict the effect of missense changes on protein structure and function output the following: SIFT: "Tolerated"; PolyPhen-2: "Benign"; Align-GVGD: "Class C0". The valine amino acid residue is found in multiple mammalian species, which suggests that this missense change does not adversely affect protein function. In summary, the available evidence is currently insufficient to determine the role of this variant in disease. Therefore, it has been classified as a Variant of Uncertain Significance.

NM_006269.2(RP1):c.1558A>G (p.Ile520Val)

Gene: RP1 (RP1 axonemal microtubule associated; plus strand). Cytogenetic location: 8q12.1.
Variant type: single nucleotide variant.
Coding change: c.1558A>G on transcript NM_006269.2 (MANE Select); coding-DNA position 1558, A replaced by G.
Protein change: p.Ile520Val; replaces isoleucine 520 with valine.
Molecular consequence: missense variant. On other transcripts: intron variant (1).
Genome position (GRCh38, 1-based): chr8:54,625,440, A>G. VCF-style: chr8-54625440-A-G. GRCh37 (hg19) VCF-style: chr8-55538000-A-G.
Other names: c.787+3152A>G (NM_001375654.1); short protein forms I520V.
Identifiers: ClinVar variation 1713478 (VCV001713478.5), dbSNP rs2536570231, ClinGen allele CA370990783.